The following is an entry in ClinVar:

NM_001127208.3(TET2):c.297T>G (p.Ser99Arg)

Genes: TET2 (tet methylcytosine dioxygenase 2; plus strand), TET2-AS1 (TET2 antisense RNA 1; minus strand). Cytogenetic location: 4q24.
Variant type: single nucleotide variant.
Coding change: c.297T>G on transcript NM_001127208.3 (MANE Select); coding-DNA position 297, T replaced by G.
Protein change: p.Ser99Arg; replaces serine 99 with arginine.
Molecular consequence: missense variant.
Genome position (GRCh38, 1-based): chr4:105,234,239, T>G. VCF-style: chr4-105234239-T-G. GRCh37 (hg19) VCF-style: chr4-106155396-T-G.
Other names: c.297T>G, p.Ser99Arg (NM_017628.4); short protein forms S99R.
Identifiers: ClinVar variation 3967612 (VCV003967612.1).

ClinVar aggregate classification (germline): Uncertain significance (1 of 4 stars; one submission).

Submission:

Ambry Genetics
Classification: Uncertain significance. Last evaluated: 2025-05-03. Review status: criteria provided, single submitter. Criteria: Ambry Variant Classification Scheme 2023. Collection method: clinical testing. Allele origin: germline.
Comment: The p.S99R variant (also known as c.297T>G), located in coding exon 1 of the TET2 gene, results from a T to G substitution at nucleotide position 297. The serine at codon 99 is replaced by arginine, an amino acid with dissimilar properties. This amino acid position is conserved. In addition, the in silico prediction for this alteration is inconclusive. Based on the available evidence, the clinical significance of this variant remains unclear.